The following is an entry in ClinVar:

ClinVar aggregate classification (germline): Uncertain significance (1 of 4 stars; one submission).

Allele frequency attached by ClinVar (database versions not stated): gnomAD exomes below 0.00001; gnomAD 0.00001; TOPMed 0.00002.
gnomAD v4.1: 3 of 1,533,286 alleles (0.0002%); highest among the groups gnomAD compares: African/African-American, 0.0027%; no homozygotes.

Submission:

Ambry Genetics
Classification: Uncertain significance. Last evaluated: 2021-06-26. Review status: criteria provided, single submitter. Criteria: Ambry Variant Classification Scheme 2023. Collection method: clinical testing. Allele origin: germline.
Comment: The p.A28S variant (also known as c.82G>T), located in coding exon 1 of the PRKDC gene, results from a G to T substitution at nucleotide position 82. The alanine at codon 28 is replaced by serine, an amino acid with similar properties. This amino acid position is conserved. In addition, this alteration is predicted to be tolerated by in silico analysis. Since supporting evidence is limited at this time, the clinical significance of this alteration remains unclear.

NM_006904.7(PRKDC):c.82G>T (p.Ala28Ser)

Genes: PRKDC (protein kinase, DNA-activated, catalytic subunit; minus strand), LOC129929030 (ATAC-STARR-seq lymphoblastoid silent region 19177; plus strand). Cytogenetic location: 8q11.21.
Variant type: single nucleotide variant.
Coding change: c.82G>T on transcript NM_006904.7 (MANE Select); coding-DNA position 82, G replaced by T.
Protein change: p.Ala28Ser; replaces alanine 28 with serine.
Molecular consequence: missense variant.
Genome position (GRCh38, 1-based): chr8:47,960,045, C>A on the plus strand (G>T on the coding strand, the complement: PRKDC is on the minus strand). VCF-style: chr8-47960045-C-A. GRCh37 (hg19) VCF-style: chr8-48872605-C-A.
Other names: c.82G>T, p.Ala28Ser (NM_001081640.2); short protein forms A28S.
Identifiers: ClinVar variation 1762835 (VCV001762835.2), dbSNP rs1273409117, ClinGen allele CA371142866.